The following is an entry in ClinVar:

NM_001211.6(BUB1B):c.2791C>T (p.Arg931Trp)

Genes: BUB1B (BUB1 mitotic checkpoint serine/threonine kinase B; plus strand), BUB1B-PAK6 (BUB1B-PAK6 readthrough; plus strand). Cytogenetic location: 15q15.1.
Variant type: single nucleotide variant.
Coding change: c.2791C>T on transcript NM_001211.6 (MANE Select); coding-DNA position 2791, C replaced by T.
Protein change: p.Arg931Trp; replaces arginine 931 with tryptophan.
Molecular consequence: missense variant. On other transcripts: 5 prime UTR variant (2).
Genome position (GRCh38, 1-based): chr15:40,217,608, C>T. VCF-style: chr15-40217608-C-T. GRCh37 (hg19) VCF-style: chr15-40509809-C-T.
Other names: c.-260C>T (NM_001128628.3); c.-177C>T (NM_001128629.3); short protein forms R931W.
Identifiers: ClinVar variation 1001856 (VCV001001856.51), dbSNP rs766052877, ClinGen allele CA7476125.

ClinVar aggregate classification (germline): Uncertain significance. Review status: criteria provided, multiple submitters, no conflicts (2 of 4 stars). 3 submissions from 3 submitters: Uncertain significance (3). Last evaluated 2025-08-11.

Conditions:
Mosaic variegated aneuploidy syndrome 1 (MVA1). Also called: Warburton-Anyane-Yeboa syndrome. Identifiers: Orphanet 1052, MedGen C1850343, MONDO:0009759, OMIM 257300.
Inborn genetic diseases. Identifiers: MedGen C0950123, MeSH D030342.

Allele frequency attached by ClinVar (database versions not stated): TOPMed below 0.00001; ExAC 0.00001.
gnomAD v4.1: 11 of 1,614,128 alleles (0.00068%); highest among the groups gnomAD compares: Admixed American, 0.0017%; no homozygotes.

Submissions (3):

Labcorp Genetics (formerly Invitae), Labcorp
Classification: Uncertain significance for Mosaic variegated aneuploidy syndrome 1. Last evaluated: 2025-08-11. Review status: criteria provided, single submitter. Criteria: Invitae Variant Classification Sherloc (09022015). Collection method: clinical testing. Allele origin: germline.
Comment: This sequence change replaces arginine, which is basic and polar, with tryptophan, which is neutral and slightly polar, at codon 931 of the BUB1B protein (p.Arg931Trp). This variant is present in population databases (rs766052877, gnomAD 0.0009%). This variant has not been reported in the literature in individuals affected with BUB1B-related conditions. ClinVar contains an entry for this variant (Variation ID: 1001856). An algorithm developed to predict the effect of missense changes on protein structure and function (PolyPhen-2) suggests that this variant is likely to be disruptive. In summary, the available evidence is currently insufficient to determine the role of this variant in disease. Therefore, it has been classified as a Variant of Uncertain Significance.

Ambry Genetics
Classification: Uncertain significance for Inborn genetic diseases. Last evaluated: 2022-12-15. Review status: criteria provided, single submitter. Criteria: Ambry Variant Classification Scheme 2023. Collection method: clinical testing. Allele origin: germline.

Greenwood Genetic Center Diagnostic Laboratories, Greenwood Genetic Center
Classification: Uncertain significance. Last evaluated: 2022-02-03. Review status: criteria provided, single submitter. Criteria: ACMG Guidelines, 2015. Collection method: clinical testing. Allele origin: germline. Affected: yes.
Comment: PP3, PM2